The following is an entry in ClinVar:

ClinVar aggregate classification (germline): Likely pathogenic (1 of 4 stars; one submission).

Conditions:
Long chain 3-hydroxyacyl-CoA dehydrogenase deficiency. Also called: Deficiency of long-chain 3-hydroxyacyl-coenzyme A dehydrogenase; LCHAD Deficiency. Identifiers: Orphanet 5, MedGen C3711645, MONDO:0012173, OMIM 609016.

Submission:

Natera, Inc.
Classification: Likely pathogenic for Deficiency of long-chain 3-hydroxyacyl-coenzyme A dehydrogenase. Last evaluated: 2025-09-23. Review status: criteria provided, single submitter. Criteria: Natera Variant Classification Schema (03/2026). Collection method: clinical testing. Allele origin: germline.
Comment: The c.61-2A>G variant in HMGCL is a canonical splice acceptor site variant predicted to affect pre-mRNA splicing, which may result in an abnormal transcript and altered protein product. This variant is expected to result in nonsense mediated decay, truncation, or a dysfunctional protein product. This variant is rare in the general population with a frequency below the threshold expected for the associated phenotype(s). Given the available evidence, this variant is classified as Likely Pathogenic.

NM_000191.3(HMGCL):c.61-2A>G

Gene: HMGCL (3-hydroxy-3-methylglutaryl-CoA lyase; minus strand). Cytogenetic location: 1p36.11.
Variant type: single nucleotide variant.
Coding change: c.61-2A>G on transcript NM_000191.3 (MANE Select); the canonical splice acceptor site of the intron before coding-DNA position 61, A replaced by G.
Molecular consequence: splice acceptor variant.
Genome position (GRCh38, 1-based): chr1:23,820,595, T>C on the plus strand (A>G on the coding strand, the complement: HMGCL is on the minus strand). VCF-style: chr1-23820595-T-C. GRCh37 (hg19) VCF-style: chr1-24147085-T-C.
Other names: c.61-2A>G (NM_001166059.2).
Identifiers: ClinVar variation 4817882 (VCV004817882.1).